The following is an entry in ClinVar:

NM_000388.4(CASR):c.2889G>C (p.Lys963Asn)

Gene: CASR (calcium sensing receptor; plus strand). Cytogenetic location: 3q21.1.
Variant type: single nucleotide variant.
Coding change: c.2889G>C on transcript NM_000388.4 (MANE Select); coding-DNA position 2889, G replaced by C.
Protein change: p.Lys963Asn; replaces lysine 963 with asparagine.
Molecular consequence: missense variant.
Genome position (GRCh38, 1-based): chr3:122,284,843, G>C. VCF-style: chr3-122284843-G-C. GRCh37 (hg19) VCF-style: chr3-122003690-G-C.
Other names: c.2919G>C, p.Lys973Asn (NM_001178065.2); short protein forms K963N, K973N.
Identifiers: ClinVar variation 410354 (VCV000410354.14), dbSNP rs1060502859, ClinGen allele CA16611133.

ClinVar aggregate classification (germline): Uncertain significance. Review status: criteria provided, multiple submitters, no conflicts (2 of 4 stars). 2 submissions from 2 submitters: Uncertain significance (2). Last evaluated 2022-12-03.

Conditions:
Autosomal dominant hypocalcemia 1 (HYPOC1). Also called: HYPOCALCEMIA, FAMILIAL. Identifiers: MedGen C3715128, MONDO:0011013, OMIM 601198.
Familial hypocalciuric hypercalcemia (FHH). Also called: Familial benign hypercalcemia. Identifiers: Orphanet 405, MedGen C1809471, MONDO:0018458.
Nephrolithiasis/nephrocalcinosis. Identifiers: MedGen CN580796.

Allele frequency attached by ClinVar (database versions not stated): TOPMed below 0.00001.

Submissions (2):

Labcorp Genetics (formerly Invitae), Labcorp
Classification: Uncertain significance for Familial hypocalciuric hypercalcemia; Autosomal dominant hypocalcemia 1. Last evaluated: 2022-12-03. Review status: criteria provided, single submitter. Criteria: Invitae Variant Classification Sherloc (09022015). Collection method: clinical testing. Allele origin: germline.
Comment: In summary, the available evidence is currently insufficient to determine the role of this variant in disease. Therefore, it has been classified as a Variant of Uncertain Significance. Algorithms developed to predict the effect of missense changes on protein structure and function are either unavailable or do not agree on the potential impact of this missense change (SIFT: "Deleterious"; PolyPhen-2: "Probably Damaging"; Align-GVGD: "Class C0"). ClinVar contains an entry for this variant (Variation ID: 410354). This variant has not been reported in the literature in individuals affected with CASR-related conditions. This variant is present in population databases (no rsID available, gnomAD 0.007%). This sequence change replaces lysine, which is basic and polar, with asparagine, which is neutral and polar, at codon 963 of the CASR protein (p.Lys963Asn).

Ambry Genetics
Classification: Uncertain significance for Nephrolithiasis/nephrocalcinosis. Last evaluated: 2021-07-09. Review status: criteria provided, single submitter. Criteria: Ambry Variant Classification Scheme 2023. Collection method: clinical testing. Allele origin: germline.
Comment: The p.K963N variant (also known as c.2889G>C), located in coding exon 6 of the CASR gene, results from a G to C substitution at nucleotide position 2889. The lysine at codon 963 is replaced by asparagine, an amino acid with similar properties. This amino acid position is conserved. In addition, this alteration is predicted to be tolerated by in silico analysis. Since supporting evidence is limited at this time, the clinical significance of this alteration remains unclear.